The following is an entry in ClinVar:

ClinVar aggregate classification (germline): Pathogenic. Review status: criteria provided, multiple submitters, no conflicts (2 of 4 stars). 4 submissions from 4 submitters: Pathogenic (4). Last evaluated 2025-06-25.

Conditions:
Congenital myasthenic syndrome (CMS). Also called: Congenital Myasthenic Syndromes. Identifiers: Orphanet 590, MedGen C0751882, MeSH D020294, MONDO:0018940.
Congenital myasthenic syndrome 4A. Also called: MYASTHENIC SYNDROME, CONGENITAL, 4A, SLOW-CHANNEL, AUTOSOMAL RECESSIVE; Myasthenic syndrome, congenital, 4a, slow-channel; CONGENITAL MYASTHENIC SYNDROME TYPE Ia1. Identifiers: Orphanet 590, MedGen C4225413, MONDO:0011600, OMIM 605809.

Submissions (4):

GeneDx
Classification: Pathogenic. Last evaluated: 2025-06-25. Review status: criteria provided, single submitter. Criteria: GeneDx Variant Classification Process June 2021. Collection method: clinical testing. Allele origin: germline. Affected: yes.
Comment: Frameshift variant predicted to result in protein truncation or nonsense mediated decay in a gene for which loss-of-function is a known mechanism of disease; Not observed at significant frequency in large population cohorts (gnomAD); Has not been previously published as pathogenic or benign to our knowledge

Natera, Inc.
Classification: Pathogenic for Congenital myasthenic syndrome. Last evaluated: 2024-05-16. Review status: criteria provided, single submitter. Criteria: Natera Variant Classification Schema (03/2026). Collection method: clinical testing. Allele origin: germline.
Comment: The c.1002_1008dupCACCCAC variant in CHRNE is a frameshift variant predicted to shift the reading frame beginning at codon 337 and leads to a stop codon 62 codons downstream. This variant is expected to result in nonsense mediated decay, truncation, or a dysfunctional protein product. This variant is rare in the general population with a frequency below the threshold expected for the associated phenotype(s). This variant has been observed in one or more individuals affected with the associated recessive disease, as either homozygous or compound heterozygous with a second variant (PMID: 37721175). Given the available evidence, this variant is classified as Pathogenic.

Baylor Genetics
Classification: Pathogenic for Congenital myasthenic syndrome 4A. Last evaluated: 2024-03-17. Review status: criteria provided, single submitter. Criteria: ACMG Guidelines, 2015. Collection method: clinical testing. Allele origin: unknown.

Labcorp Genetics (formerly Invitae), Labcorp
Classification: Pathogenic for Congenital myasthenic syndrome 4A. Last evaluated: 2023-08-30. Review status: criteria provided, single submitter. Criteria: Invitae Variant Classification Sherloc (09022015). Collection method: clinical testing. Allele origin: germline.
Comment: This sequence change creates a premature translational stop signal (p.Ala337Hisfs*62) in the CHRNE gene. It is expected to result in an absent or disrupted protein product. Loss-of-function variants in CHRNE are known to be pathogenic (PMID: 22678886). This variant is present in population databases (rs757396750, gnomAD 0.005%). This variant has not been reported in the literature in individuals affected with CHRNE-related conditions. ClinVar contains an entry for this variant (Variation ID: 2090933). For these reasons, this variant has been classified as Pathogenic.

Literature cited by the submitters: PubMed 37721175 (cited by Natera, Inc.); PubMed 22678886 (cited by Labcorp Genetics (formerly Invitae), Labcorp).

NM_000080.4(CHRNE):c.1002_1008dup (p.Ala337fs)

Gene: CHRNE (cholinergic receptor nicotinic epsilon subunit; minus strand). Cytogenetic location: 17p13.2.
Variant type: Duplication.
Coding change: c.1002_1008dup on transcript NM_000080.4 (MANE Select); coding-DNA positions 1002 to 1008, 7 bases duplicated (CACCCAC; older notation c.1002_1008dupCACCCAC).
Protein change: p.Ala337fs; shifts the reading frame from alanine 337.
Molecular consequence: frameshift variant.
Genome position (GRCh38, 1-based): chr17:4,899,492-4,899,498, GTGGGTG duplicated on the plus strand (CACCCAC on the coding strand, the reverse complement: CHRNE is on the minus strand); duplicating any 7 consecutive bases within chr17:4,899,492-4,899,503 gives the same sequence; the c. name uses the placement nearest the transcript's 3' end. VCF-style (leftmost placement, unchanged base first): chr17-4899491-C-CGTGGGTG. GRCh37 (hg19) VCF-style: chr17-4802786-C-CGTGGGTG.
Other names: c.1002_1008dupCACCCAC (NM_000080.3); c.1002_1008dup (NM_000080.3); short protein forms A337fs.
Identifiers: ClinVar variation 2090933 (VCV002090933.8), dbSNP rs757396750, ClinGen allele CA8314077.